The following is an entry in ClinVar:

NM_001099922.3(ALG13):c.383+2827A>C

Gene: ALG13 (ALG13 UDP-N-acetylglucosaminyltransferase subunit; plus strand). Cytogenetic location: Xq23.
Variant type: single nucleotide variant.
Coding change: c.383+2827A>C on transcript NM_001099922.3 (MANE Select); 2827 bases into the intron after coding-DNA position 383, A replaced by C.
Molecular consequence: intron variant. On other transcripts: missense variant (9), 3 prime UTR variant (1), non-coding transcript variant (2).
Genome position (GRCh38, 1-based): chrX:111,687,930, A>C. VCF-style: chrX-111687930-A-C. GRCh37 (hg19) VCF-style: chrX-110931158-A-C.
Other names: c.115A>C (NM_001257240.2); c.368A>C, p.Glu123Ala (NM_001039210.5); c.*63A>C (NM_001168385.3); c.115A>C, p.Lys39Gln (NM_001257235.3, NM_001257239.3, NM_001257240.3 and 2 more transcripts); c.193A>C, p.Lys65Gln (NM_001257241.3); c.433A>C, p.Lys145Gln (NM_001324290.2); c.427A>C, p.Lys143Gln (NM_018466.6); c.71+2827A>C (NM_001257237.2, NM_001324293.1, NM_001257234.2 and 1 more transcripts); and 2 more; short protein forms E123A, K143Q, K145Q, K39Q, K65Q.
Identifiers: ClinVar variation 2661209 (VCV002661209.26), dbSNP rs770214701, ClinGen allele CA10493509.

ClinVar aggregate classification (germline): Likely benign. Review status: criteria provided, multiple submitters, no conflicts (2 of 4 stars). 3 submissions from 3 submitters: Likely benign (3). Last evaluated 2024-10-19.

Conditions:
ALG13-related disorder. Also called: ALG13-related condition.

Allele frequency attached by ClinVar (database versions not stated): TOPMed 0.00003; gnomAD 0.00005; gnomAD exomes 0.00006; ExAC 0.00013.
gnomAD v4.1: 76 of 1,178,408 alleles (0.0064%); highest among the groups gnomAD compares: Non-Finnish European, 0.0078%; no homozygotes.

Submissions (3):

PreventionGenetics, part of Exact Sciences
Classification: Likely benign for ALG13-related condition. Last evaluated: 2024-10-19. Review status: criteria provided, single submitter. Criteria: ACMG Guidelines, 2015. Collection method: clinical testing. Allele origin: germline.
Comment: This variant is classified as likely benign based on ACMG/AMP sequence variant interpretation guidelines (Richards et al. 2015 PMID: 25741868, with internal and published modifications).

Blueprint Genetics
Classification: Likely benign. Last evaluated: 2024-08-27. Review status: criteria provided, single submitter. Criteria: ACMG Guidelines, 2015. Collection method: clinical testing. Allele origin: germline.

CeGaT Center for Human Genetics Tuebingen
Classification: Likely benign. Last evaluated: 2023-01-01. Review status: criteria provided, single submitter. Criteria: CeGaT Center For Human Genetics Tuebingen Variant Classification Criteria Version 2. Collection method: clinical testing. Allele origin: germline. Affected: yes. Observed: 2 variant alleles.
Comment: ALG13: BP4, BS2